The following is an entry in ClinVar:

NM_001077653.2(TBX20):c.187G>A (p.Ala63Thr)

Gene: TBX20 (T-box transcription factor 20; minus strand). Cytogenetic location: 7p14.2.
Variant type: single nucleotide variant.
Coding change: c.187G>A on transcript NM_001077653.2 (MANE Select); coding-DNA position 187, G replaced by A.
Protein change: p.Ala63Thr; replaces alanine 63 with threonine.
Molecular consequence: missense variant.
Genome position (GRCh38, 1-based): chr7:35,250,144, C>T on the plus strand (G>A on the coding strand, the complement: TBX20 is on the minus strand). VCF-style: chr7-35250144-C-T. GRCh37 (hg19) VCF-style: chr7-35289756-C-T.
Other names: p.Ala63Thr; c.187G>A, p.Ala63Thr (NM_001166220.1); short protein forms A63T.
Identifiers: ClinVar variation 1601329 (VCV001601329.12), dbSNP rs201839825, ClinGen allele CA4217560.
Genomic context (GRCh38, chr7:35,250,144, plus strand): 5'-CAGTGCACAGAGAGGAGGAGGACGGGCTGCTGCCACTGCCTCCACCAAACTCCCCATGAG[C>T]ATCCAGGCTGGTCAGCTCACCCAGGGGCTGGGCACAGGACGACTTCTCCACAAATTGCTC-3'
Protein context (NP_001071121.1, residues 53-73): QPLGELTSLD[Ala63Thr]HGEFGGGSGS

ClinVar aggregate classification (germline): Benign/Likely benign. Review status: criteria provided, multiple submitters, no conflicts (2 of 4 stars). 4 submissions from 4 submitters: Benign (1); Likely benign (3). Last evaluated 2026-01-08.

Conditions:
Cardiovascular phenotype. Identifiers: MedGen CN230736.

Allele frequency attached by ClinVar (database versions not stated): ESP Exome Variant Server 0.00008; TOPMed 0.00014; 1000 Genomes Project 30x 0.00031; gnomAD exomes 0.00031 and 0.00079; 1000 Genomes Project 0.00040; ExAC 0.00074; gnomAD 0.00079 and 0.00082.
gnomAD v4.1: 570 of 1,614,074 alleles (0.035%); highest among the groups gnomAD compares: East Asian, 0.074%; no homozygotes.

Submissions (4):

Labcorp Genetics (formerly Invitae), Labcorp
Classification: Benign. Last evaluated: 2026-01-08. Review status: criteria provided, single submitter. Criteria: Invitae Variant Classification Sherloc (09022015). Collection method: clinical testing. Allele origin: germline.

Mayo Clinic Laboratories, Mayo Clinic
Classification: Likely benign. Last evaluated: 2025-02-27. Review status: criteria provided, single submitter. Criteria: ACMG Guidelines, 2015. Collection method: clinical testing. Allele origin: germline. Observed: 1 variant allele.
Comment: BS1, BP4

Blueprint Genetics
Classification: Likely benign. Last evaluated: 2024-11-25. Review status: criteria provided, single submitter. Criteria: ACMG Guidelines, 2015. Collection method: clinical testing. Allele origin: germline.

Ambry Genetics
Classification: Likely benign for Cardiovascular phenotype. Last evaluated: 2022-01-11. Review status: criteria provided, single submitter. Criteria: Ambry Variant Classification Scheme 2023. Collection method: clinical testing. Allele origin: germline.

Literature cited by the submitters: PubMed 18834961 (cited by Mayo Clinic Laboratories, Mayo Clinic and Ambry Genetics).